The following is an entry in ClinVar:

NM_177438.3(DICER1):c.1153C>T (p.Arg385Cys)

Gene: DICER1 (dicer 1, ribonuclease III; minus strand). Cytogenetic location: 14q32.13.
Variant type: single nucleotide variant.
Coding change: c.1153C>T on transcript NM_177438.3 (MANE Select); coding-DNA position 1153, C replaced by T.
Protein change: p.Arg385Cys; replaces arginine 385 with cysteine.
Molecular consequence: missense variant.
Genome position (GRCh38, 1-based): chr14:95,124,419, G>A on the plus strand (C>T on the coding strand, the complement: DICER1 is on the minus strand). VCF-style: chr14-95124419-G-A. GRCh37 (hg19) VCF-style: chr14-95590756-G-A.
Other names: c.1153C>T, p.Arg385Cys (NM_001195573.1, NM_001271282.3, NM_001291628.2 and 1 more transcripts); short protein forms R385C.
Identifiers: ClinVar variation 579630 (VCV000579630.16), dbSNP rs746886465, ClinGen allele CA7331520.

ClinVar aggregate classification (germline): Uncertain significance. Review status: criteria provided, multiple submitters, no conflicts (2 of 4 stars). 2 submissions from 2 submitters: Uncertain significance (2). Last evaluated 2025-10-07.

Conditions:
DICER1-related tumor predisposition. Also called: DICER1 syndrome; DICER1-related pleuropulmonary blastoma cancer predisposition syndrome. Identifiers: Orphanet 284343, MedGen C3839822, MONDO:0100216.
Hereditary cancer-predisposing syndrome. Also called: Hereditary neoplastic syndrome; Tumor predisposition; Hereditary Cancer Syndrome; Neoplastic Syndromes, Hereditary. Identifiers: Orphanet 140162, MedGen C0027672, MeSH D009386, MONDO:0015356.

Allele frequency attached by ClinVar (database versions not stated): ExAC 0.00001; gnomAD 0.00001; gnomAD exomes 0.00002.

Submissions (2):

Labcorp Genetics (formerly Invitae), Labcorp
Classification: Uncertain significance for DICER1-related tumor predisposition. Last evaluated: 2025-10-07. Review status: criteria provided, single submitter. Criteria: Invitae Variant Classification Sherloc (09022015). Collection method: clinical testing. Allele origin: germline.
Comment: This sequence change replaces arginine, which is basic and polar, with cysteine, which is neutral and slightly polar, at codon 385 of the DICER1 protein (p.Arg385Cys). This variant is present in population databases (rs746886465, gnomAD 0.01%). This variant has not been reported in the literature in individuals affected with DICER1-related conditions. ClinVar contains an entry for this variant (Variation ID: 579630). Invitae Evidence Modeling of protein sequence and biophysical properties (such as structural, functional, and spatial information, amino acid conservation, physicochemical variation, residue mobility, and thermodynamic stability) indicates that this missense variant is not expected to disrupt DICER1 protein function with a negative predictive value of 95%. In summary, the available evidence is currently insufficient to determine the role of this variant in disease. Therefore, it has been classified as a Variant of Uncertain Significance.

Ambry Genetics
Classification: Uncertain significance for Hereditary cancer-predisposing syndrome. Last evaluated: 2025-06-25. Review status: criteria provided, single submitter. Criteria: Ambry Variant Classification Scheme 2023. Collection method: clinical testing. Allele origin: germline.
Comment: The p.R385C variant (also known as c.1153C>T), located in coding exon 7 of the DICER1 gene, results from a C to T substitution at nucleotide position 1153. The arginine at codon 385 is replaced by cysteine, an amino acid with highly dissimilar properties. This amino acid position is well conserved in available vertebrate species. In addition, the in silico prediction for this alteration is inconclusive. Based on the available evidence, the clinical significance of this variant remains unclear.

Literature cited by the submitters: PubMed 26666178 (cited by Ambry Genetics).